The following is an entry in ClinVar:

NM_021975.4(RELA):c.964A>G (p.Thr322Ala)

Gene: RELA (RELA proto-oncogene, NF-kB subunit; minus strand). Cytogenetic location: 11q13.1.
Variant type: single nucleotide variant.
Coding change: c.964A>G on transcript NM_021975.4 (MANE Select); coding-DNA position 964, A replaced by G.
Protein change: p.Thr322Ala; replaces threonine 322 with alanine.
Molecular consequence: missense variant.
Genome position (GRCh38, 1-based): chr11:65,655,757, T>C on the plus strand (A>G on the coding strand, the complement: RELA is on the minus strand). VCF-style: chr11-65655757-T-C. GRCh37 (hg19) VCF-style: chr11-65423228-T-C.
Other names: c.955A>G, p.Thr319Ala (NM_001145138.2); c.964A>G, p.Thr322Ala (NM_001243984.2, NM_001243985.2); c.997A>G, p.Thr333Ala (NM_001404657.1); c.937A>G, p.Thr313Ala (NM_001404658.1); c.751A>G, p.Thr251Ala (NM_001404659.1); c.646A>G, p.Thr216Ala (NM_001404660.1); c.583A>G, p.Thr195Ala (NM_001404661.1); c.871A>G, p.Thr291Ala (NM_001404662.1, NM_001404663.1); short protein forms T251A, T319A, T333A, T291A, T313A, T195A, T216A, T322A.
Identifiers: ClinVar variation 2978137 (VCV002978137.3), dbSNP rs770882250, ClinGen allele CA6106716.

ClinVar aggregate classification (germline): Uncertain significance (1 of 4 stars; one submission).

Allele frequency attached by ClinVar (database versions not stated): ExAC 0.00001; gnomAD 0.00001; gnomAD exomes 0.00001; TOPMed 0.00001.
gnomAD v4.1: 6 of 1,613,738 alleles (0.00037%); highest among the groups gnomAD compares: Admixed American, 0.01%; no homozygotes.

Submission:

Labcorp Genetics (formerly Invitae), Labcorp
Classification: Uncertain significance. Last evaluated: 2024-12-07. Review status: criteria provided, single submitter. Criteria: Invitae Variant Classification Sherloc (09022015). Collection method: clinical testing. Allele origin: germline.
Comment: This sequence change replaces threonine, which is neutral and polar, with alanine, which is neutral and non-polar, at codon 322 of the RELA protein (p.Thr322Ala). This variant is present in population databases (rs770882250, gnomAD 0.01%). This variant has not been reported in the literature in individuals affected with RELA-related conditions. ClinVar contains an entry for this variant (Variation ID: 2978137). An algorithm developed to predict the effect of missense changes on protein structure and function (PolyPhen-2) suggests that this variant is likely to be tolerated. In summary, the available evidence is currently insufficient to determine the role of this variant in disease. Therefore, it has been classified as a Variant of Uncertain Significance.